The following is an entry in ClinVar:

NM_000020.3(ACVRL1):c.430C>T (p.Arg144Ter)

Gene: ACVRL1 (activin A receptor like type 1; plus strand). Cytogenetic location: 12q13.13.
Variant type: single nucleotide variant.
Coding change: c.430C>T on transcript NM_000020.3 (MANE Select); coding-DNA position 430, C replaced by T.
Protein change: p.Arg144Ter; replaces arginine 144 with a stop codon.
Molecular consequence: nonsense.
Genome position (GRCh38, 1-based): chr12:51,913,675, C>T. VCF-style: chr12-51913675-C-T. GRCh37 (hg19) VCF-style: chr12-52307459-C-T.
Other names: c.430C>T, p.Arg144Ter (NM_001077401.2); short protein forms R144*.
Identifiers: ClinVar variation 212804 (VCV000212804.62), dbSNP rs758683062, ClinGen allele CA321605.

ClinVar aggregate classification (germline): Pathogenic. Review status: criteria provided, multiple submitters, no conflicts (2 of 4 stars). 9 submissions from 9 submitters: Pathogenic (8). 1 of the submissions does not count toward it. Last evaluated 2025-11-25.

Conditions:
Cardiovascular phenotype. Identifiers: MedGen CN230736.
Telangiectasia, hereditary hemorrhagic, type 2 (HHT2). Also called: Telangiectasia, hereditary hemorrhagic, type II; ACVRL1-Related Hereditary Hemorrhagic Telangiectasia. Identifiers: Orphanet 774, MedGen C1838163, MONDO:0010880, OMIM 600376. Disease mechanism: loss of function.
Pulmonary hypertension, primary, 1 (PPH1). Also called: Pulmonary hypertension, familial primary, 1, with or without HHT. Identifiers: Orphanet 422, MedGen C4552070, MONDO:0024533, OMIM 178600.

Allele frequency attached by ClinVar (database versions not stated): gnomAD exomes below 0.00001; ExAC 0.00001.
gnomAD v4.1: 1 of 1,610,272 alleles (0.000062%); highest among the groups gnomAD compares: African/African-American, 0.0013%; no homozygotes.

Submissions (9):

Labcorp Genetics (formerly Invitae), Labcorp
Classification: Pathogenic for Telangiectasia, hereditary hemorrhagic, type 2. Last evaluated: 2025-11-25. Review status: criteria provided, single submitter. Criteria: Invitae Variant Classification Sherloc (09022015). Collection method: clinical testing. Allele origin: germline.
Comment: This sequence change creates a premature translational stop signal (p.Arg144*) in the ACVRL1 gene. It is expected to result in an absent or disrupted protein product. Loss-of-function variants in ACVRL1 are known to be pathogenic (PMID: 15879500). The frequency data for this variant in the population databases is considered unreliable, as metrics indicate poor data quality at this position in the gnomAD database. This premature translational stop signal has been observed in individual(s) with hereditary hemorrhagic telangiectasia and pulmonary arterial hypertension (PMID: 12700602, 15024723, 15879500, 15880681, 16429404, 16540754, 19555857, 23722869). ClinVar contains an entry for this variant (Variation ID: 212804). For these reasons, this variant has been classified as Pathogenic.

Ambry Genetics
Classification: Pathogenic for Cardiovascular phenotype. Last evaluated: 2025-09-25. Review status: criteria provided, single submitter. Criteria: Ambry Variant Classification Scheme 2023. Collection method: clinical testing. Allele origin: germline.
Comment: The p.R144* pathogenic mutation (also known as c.430C>T), located in coding exon 3 of the ACVRL1 gene, results from a C to T substitution at nucleotide position 430. This changes the amino acid from an arginine to a stop codon within coding exon 3. This mutation was first described in an individual with epistaxis, telangiectasias, and a family history of hereditary hemorrhagic telangiectasia (HHT) (Abdalla SA et al. Eur. J. Hum. Genet., 2003 Apr;11:279-87). This mutation has also been described in several French HHT families (Lesca G et al. Hum. Mutat., 2004 Apr;23:289-99). Other studies identified this mutation in two individuals with multiple telangiectasias in the gastrointestinal tract, epistaxis, and pulmonary arteriovenous malformations (Canzonieri C et al. Genet Med. 2014;16(1):3-10; Verhelst X et al. Case Rep Gastroenterol Jan;12:13-18). This variant is considered to be rare based on population cohorts in the Genome Aggregation Database (gnomAD). In addition to the clinical data presented in the literature, this alteration is expected to result in loss of function by premature protein truncation or nonsense-mediated mRNA decay. As such, this alteration is interpreted as a disease-causing mutation.

Molecular Genetics, Royal Melbourne Hospital
Classification: Pathogenic for Telangiectasia, hereditary hemorrhagic, type 2. Last evaluated: 2023-03-30. Review status: criteria provided, single submitter. Criteria: ACMG Guidelines, 2015. Collection method: clinical testing. Allele origin: germline. Affected: yes.
Comment: This sequence change creates a premature termination codon at position 144 in exon 4 (of 10) of ACVRL1 (p.(Arg144*)). It is expected to result in nonsense mediated decay, and loss of function is well-established mechanism of disease for this gene (ClinVar). The variant is present in a single individual in a large population cohort (1/246,414 alleles in gnomAD v2.1 and absent in gnomAD v3.1), which is consistent with dominant condition. The variant is a recurrent mutation that has been identified in multiple cases with a clinical diagnosis of hereditary haemorrhagic telangiectasia and segregates with disease in at least one four-generation family (PMID: 12700602, 15024723, 15880681, 16429404, 23722869). It has also been identified in at least one individual with idiopathic pulmonary arterial hypertension (PMID: 19555857). Based on the classification scheme RMH Modified ACMG Guidelines v1.3.1, this variant is classified as PATHOGENIC. Following criteria are met: PVS1, PS4, PP1_Strong, PM2_Supporting.

Mayo Clinic Laboratories, Mayo Clinic
Classification: Pathogenic. Last evaluated: 2022-10-11. Review status: criteria provided, single submitter. Criteria: ACMG Guidelines, 2015. Collection method: clinical testing. Allele origin: germline. Observed: 1 variant allele.
Comment: PM2_supporting, PS4_moderate, PVS1

ARUP Laboratories, Molecular Genetics and Genomics, ARUP Laboratories
Classification: Pathogenic for Telangiectasia, hereditary hemorrhagic, type 2. Last evaluated: 2021-09-15. Review status: criteria provided, single submitter. Criteria: ARUP Molecular Germline Variant Investigation Process 2021. Collection method: clinical testing. Allele origin: germline.
Comment: The ACVRL1 c.430C>T; p.Arg144Ter variant (rs758683062) is reported in the literature in multiple individuals diagnosed with hereditary hemorrhagic telangiectasia and pulmonary arterial hypertension (Abdalla 2003, Abdalla 2005, Brusgaard 2004, Canzonieri 2014, Giordano 2006, Kjeldsen 2005, Komiyama 2014, Lesca 2004, Machado 2009, Olivieri 2007, Schulte 2005). This variant is reported in ClinVar as pathogenic by multiple laboratories (Variation ID: 212804), and is only observed on one allele in the Genome Aggregation Database, indicating it is not a common polymorphism. This variant induces an early termination codon and is predicted to result in a truncated protein or mRNA subject to nonsense-mediated decay. Based on available information, this variant is considered to be pathogenic. REFERENCES Abdalla SA et al. Disease-associated mutations in conserved residues of ALK-1 kinase domain. Eur J Hum Genet. 2003; 11(4):279-87. PMID: 12700602. Abdalla SA et al. Novel mutations and polymorphisms in genes causing hereditary hemorrhagic telangiectasia. Hum Mutat. 2005; 25(3):320-1. PMID: 15712271. Brusgaard K et al. Mutations in endoglin and in activin receptor-like kinase 1 among Danish patients with hereditary haemorrhagic telangiectasia. Clin Genet. 2004; 66(6):556-61. PMID: 15521985. Canzonieri C et al. Endoscopic evaluation of gastrointestinal tract in patients with hereditary hemorrhagic telangiectasia and correlation with their genotypes. Genet Med. 2014; 16(1):3-10. PMID: 23722869. Giordano P et al. Screening for children from families with Rendu-Osler-Weber disease: from geneticist to clinician. J Thromb Haemost. 2006; 4(6):1237-45. PMID: 16706966. Kjeldsen AD et al. Clinical symptoms according to genotype amongst patients with hereditary haemorrhagic telangiectasia. J Intern Med. 2005; 258(4):349-55. PMID: 16164574. Komiyama M et al. Hereditary hemorrhagic telangiectasia in Japanese patients. J Hum Genet. 2014; 59(1):37-41. PMID: 24196379. Lesca G et al. Molecular screening of ALK1/ACVRL1 and ENG genes in hereditary hemorrhagic telangiectasia in France. Hum Mutat. 2004; 23(4):289-99. PMID: 15024723. Machado RD et al. Genetics and genomics of pulmonary arterial hypertension. J Am Coll Cardiol. 2009 Jun 30;54(1 Suppl):S32-42. PMID: 19555857. Olivieri C et al. Analysis of ENG and ACVRL1 genes in 137 HHT Italian families identifies 76 different mutations (24 novel). Comparison with other European studies. J Hum Genet. 2007; 52(10):820-9. PMID: 17786384. Schulte C et al. High frequency of ENG and ALK1/ACVRL1 mutations in German HHT patients. Hum Mutat. 2005; 25(6):595. PMID: 15880681.

CeGaT Center for Human Genetics Tuebingen
Classification: Pathogenic. Last evaluated: 2019-06-01. Review status: criteria provided, single submitter. Criteria: CeGaT Center For Human Genetics Tuebingen Variant Classification Criteria Version 2. Collection method: clinical testing. Allele origin: germline. Affected: yes. Observed: 1 variant allele.

Fulgent Genetics
Classification: Pathogenic for Telangiectasia, hereditary hemorrhagic, type 2. Last evaluated: 2018-10-31. Review status: criteria provided, single submitter. Criteria: ACMG Guidelines, 2015. Collection method: clinical testing. Allele origin: unknown.

Clinical Genetics Service, Universitary Hospital 12 de Octubre
Classification: Pathogenic for Telangiectasia, hereditary hemorrhagic, type 2. Review status: criteria provided, single submitter. Criteria: ACMG Guidelines, 2015. Collection method: clinical testing. Allele origin: germline. Affected: yes.

Rare Disease Genomics Group, St George's University of London
Classification: Pathogenic for Primary pulmonary hypertension. Review status: no assertion criteria provided. Collection method: literature only. Allele origin: germline. Affected: yes. Not counted in ClinVar's aggregate classification.

Literature cited by the submitters: PubMed 15879500 (cited by Labcorp Genetics (formerly Invitae), Labcorp); PubMed 12700602 (cited by 4 submitters); PubMed 15024723 (cited by 3 submitters); PubMed 15880681 (cited by 3 submitters); PubMed 16429404 (cited by Labcorp Genetics (formerly Invitae), Labcorp and Molecular Genetics, Royal Melbourne Hospital); PubMed 16540754 (cited by Labcorp Genetics (formerly Invitae), Labcorp); PubMed 19555857 (cited by 4 submitters); PubMed 23722869 (cited by 3 submitters); PubMed 29515340 (cited by Ambry Genetics); PubMed 31727138 (cited by Mayo Clinic Laboratories, Mayo Clinic); PubMed 32503579 (cited by Mayo Clinic Laboratories, Mayo Clinic); PubMed 34872578 (cited by Mayo Clinic Laboratories, Mayo Clinic).